The following is an entry in ClinVar:

NM_015506.3(MMACHC):c.398_399del (p.Gln133fs)

Gene: MMACHC (metabolism of cobalamin associated C; plus strand). Cytogenetic location: 1p34.1.
Variant type: Deletion.
Coding change: c.398_399del on transcript NM_015506.3 (MANE Select); coding-DNA positions 398 to 399, 2 bases deleted (AA; older notation c.398_399delAA).
Protein change: p.Gln133fs; shifts the reading frame from glutamine 133.
Molecular consequence: frameshift variant.
Genome position (GRCh38, 1-based): chr1:45,508,333-45,508,334, AA deleted. VCF-style (leftmost placement, unchanged base first): chr1-45508332-CAA-C. GRCh37 (hg19) VCF-style: chr1-45974004-CAA-C.
Other names: c.227_228del, p.Gln76fs (NM_001330540.2); c.398_399delAA (NM_015506.3); short protein forms Q133fs, Q76fs.
Identifiers: ClinVar variation 553801 (VCV000553801.21), dbSNP rs746135357, ClinGen allele CA827726.

ClinVar aggregate classification (germline): Pathogenic. Review status: criteria provided, multiple submitters, no conflicts (2 of 4 stars). 6 submissions from 6 submitters: Pathogenic (5). 1 of the submissions does not count toward it. Last evaluated 2024-07-26.

Conditions:
Cobalamin C disease. Also called: methylmalonic aciduria and homocystinuria type cblC; Methylmalonic aciduria and homocystinuria, Vitamin B12-responsive; Vitamin B12 metabolic defect with combined deficiency of methylmalonyl-CoA mutase and homocysteine:methyltetrahydrofolate methyltransferase; Cobalamin-C methylmalonic acidemia and homocystinuria; Methylmalonic acidemia and homocystinuria cblC type; Methylmalonic aciduria with homocystinuria cblC type. Identifiers: Orphanet 26, Orphanet 79282, MedGen C1848561, MONDO:0010184, OMIM 277400.

Allele frequency attached by ClinVar (database versions not stated): gnomAD exomes 0.00002 and below 0.00001; TOPMed 0.00002; ExAC 0.00001; gnomAD 0.00001.

Submissions (6):

Natera, Inc.
Classification: Pathogenic for Methylmalonic aciduria and homocystinuria cblC type. Last evaluated: 2024-07-26. Review status: criteria provided, single submitter. Criteria: Natera Variant Classification Schema (03/2026). Collection method: clinical testing. Allele origin: germline.
Comment: The c.398_399delAA variant in MMACHC is a frameshift variant predicted to shift the reading frame beginning at codon 133 and leads to a stop codon 5 codons downstream. This variant is expected to result in nonsense mediated decay, truncation, or a dysfunctional protein product. This variant is rare in the general population with a frequency below the threshold expected for the associated phenotype(s). This variant has been observed in one or more individuals affected with the associated recessive disease, as either homozygous or compound heterozygous with a second variant (PMID: 31998365, 19370762). Given the available evidence, this variant is classified as Pathogenic.

Labcorp Genetics (formerly Invitae), Labcorp
Classification: Pathogenic for Cobalamin C disease. Last evaluated: 2024-02-05. Review status: criteria provided, single submitter. Criteria: Invitae Variant Classification Sherloc (09022015). Collection method: clinical testing. Allele origin: germline.
Comment: This sequence change creates a premature translational stop signal (p.Gln133Argfs*5) in the MMACHC gene. While this is not anticipated to result in nonsense mediated decay, it is expected to disrupt the last 150 amino acid(s) of the MMACHC protein. This variant is present in population databases (rs746135357, gnomAD 0.03%). This premature translational stop signal has been observed in individual(s) with combined methylmalonic aciduria and homocystinuria (PMID: 16311595, 20631720). ClinVar contains an entry for this variant (Variation ID: 553801). This variant disrupts a region of the MMACHC protein in which other variant(s) (p.Tyr222*) have been determined to be pathogenic (PMID: 16311595, 19767224, 30157807). This suggests that this is a clinically significant region of the protein, and that variants that disrupt it are likely to be disease-causing. For these reasons, this variant has been classified as Pathogenic.

Women's Health and Genetics/Laboratory Corporation of America, LabCorp
Classification: Pathogenic for Cobalamin C disease. Last evaluated: 2023-12-21. Review status: criteria provided, single submitter. Criteria: LabCorp Variant Classification Summary - May 2015. Collection method: clinical testing. Allele origin: germline.
Comment: Variant summary: MMACHC c.398_399delAA (p.Gln133ArgfsX5) results in a premature termination codon, predicted to cause a truncation of the encoded protein, which is a commonly known mechanism for disease. While this variant is not expected to result in nonsense mediated decay, it is predicted to disrupt the last 150 amino acids of the protein. Variants downstream of this position have been classified as pathogenic by our laboratory. The variant allele was found at a frequency of 2e-05 in 249402 control chromosomes (gnomAD). The available data on variant occurrences in the general population are insufficient to allow any conclusion about variant significance. c.398_399delAA has been reported in the literature in multiple compound heterozygous individuals affected with Cobalamin C Disease (Methylmalonic Aciduria With Homocystinuria) (e.g., Lerner-Ellis_2006, Liu_2010, Yuan_2021, Zhang_2020). These data indicate that the variant is very likely to be associated with disease. The following publications have been ascertained in the context of this evaluation (PMID: 16311595, 20631720, 33411215, 31998365). Three submitters have reported clinical-significance assessments for this variant to ClinVar after 2014. All submitters classified the variant as pathogenic/likely pathogenic. Based on the evidence outlined above, the variant was classified as pathogenic.

Genome-Nilou Lab
Classification: Pathogenic for Cobalamin C disease. Last evaluated: 2023-04-11. Review status: criteria provided, single submitter. Criteria: ACMG Guidelines, 2015. Collection method: clinical testing. Allele origin: germline. Affected: no.

Juno Genomics, Hangzhou Juno Genomics, Inc
Classification: Pathogenic for Cobalamin C disease. Review status: criteria provided, single submitter. Criteria: ACMG Guidelines, 2015. Collection method: clinical testing. Allele origin: germline.
Comment: Absent from controls (or at extremely low frequency if recessive) in Genome Aggregation Database.;Null variant in a gene where loss of function (LOF) is a known mechanism of disease.;For recessive disorders, detected in trans with a pathogenic variant.;Patient's phenotype or family history is highly specific for a disease with a single genetic etiology.

Counsyl
Classification: Pathogenic for Cobalamin C disease. Last evaluated: 2017-09-07. Review status: no assertion criteria provided. Collection method: clinical testing. Allele origin: unknown. Not counted in ClinVar's aggregate classification.

Literature cited by the submitters: PubMed 31998365 (cited by Natera, Inc. and Women's Health and Genetics/Laboratory Corporation of America, LabCorp); PubMed 19370762 (cited by Natera, Inc.); PubMed 16311595 (cited by 3 submitters); PubMed 20631720 (cited by 3 submitters); PubMed 19767224 (cited by Labcorp Genetics (formerly Invitae), Labcorp); PubMed 30157807 (cited by Labcorp Genetics (formerly Invitae), Labcorp); PubMed 33411215 (cited by Women's Health and Genetics/Laboratory Corporation of America, LabCorp).